The following is an entry in ClinVar:

ClinVar aggregate classification (germline): Uncertain significance (1 of 4 stars; one submission).

gnomAD v4.1: 1 of 1,608,988 alleles (0.000062%); highest among the groups gnomAD compares: Non-Finnish European, 0.000085%; no homozygotes.

Submission:

Women's Health and Genetics/Laboratory Corporation of America, LabCorp
Classification: Uncertain significance. Last evaluated: 2025-11-03. Review status: criteria provided, single submitter. Criteria: LabCorp Variant Classification Summary - May 2015. Collection method: clinical testing. Allele origin: germline.
Comment: Variant summary: NOTCH3 c.4906C>A (p.Pro1636Thr) results in a non-conservative amino acid change in the encoded protein sequence. Algorithms developed to predict the effect of missense changes on protein structure and function are either unavailable or do not agree on the potential impact of this missense change. The frequency data for this variant in gnomAD is considered unreliable, as metrics indicate poor data quality at this position. To our knowledge, no occurrence of c.4906C>A in individuals affected with NOTCH3-related conditions and no experimental evidence demonstrating its impact on protein function have been reported. No submitters have cited clinical-significance assessments for this variant to ClinVar. Based on the evidence outlined above, the variant was classified as uncertain significance.

NM_000435.3(NOTCH3):c.4906C>A (p.Pro1636Thr)

Gene: NOTCH3 (notch receptor 3; minus strand). Cytogenetic location: 19p13.12.
Variant type: single nucleotide variant.
Coding change: c.4906C>A on transcript NM_000435.3 (MANE Select); coding-DNA position 4906, C replaced by A.
Protein change: p.Pro1636Thr; replaces proline 1636 with threonine.
Molecular consequence: missense variant.
Genome position (GRCh38, 1-based): chr19:15,170,539, G>T on the plus strand (C>A on the coding strand, the complement: NOTCH3 is on the minus strand). VCF-style: chr19-15170539-G-T. GRCh37 (hg19) VCF-style: chr19-15281350-G-T.
Other names: short protein forms P1636T.
Identifiers: ClinVar variation 4537121 (VCV004537121.1).
Genomic context (GRCh38, chr19:15,170,539, plus strand): 5'-CCAGCAGCAAGACAGCGCCCGCCACTAGCAGTGGCAGCAGCGGGACGCTGGGTTCTGGAG[G>T]CTCCAGCGGCTCCCCTAAGAGCAGGAAGCAGAGGGCGGGGCTTCAGCCGAGGGCGGGGCT-3'
Protein context (NP_000426.2, residues 1626-1646): LRDVRGEPLE[Pro1636Thr]PEPSVPLLPL